The following is an entry in ClinVar:

ClinVar aggregate classification (germline): Benign (1 of 4 stars; one submission).

Conditions:
Paget disease of bone 3. Identifiers: MedGen C4085252, MONDO:0008176, OMIM 167250.

Allele frequency attached by ClinVar (database versions not stated): ExAC 0.02902; gnomAD exomes 0.02973 and 0.03044; 1000 Genomes Project 30x 0.03279; 1000 Genomes Project 0.03295; gnomAD 0.04425 and 0.04634; TOPMed 0.04717.
gnomAD v4.1: 39,860 of 1,229,780 alleles (3.2%); highest among the groups gnomAD compares: African/African-American, 8.2%; 838 homozygotes.

Submission:

Illumina Laboratory Services, Illumina
Classification: Benign for Paget disease of bone 3. Last evaluated: 2018-01-13. Review status: criteria provided, single submitter. Criteria: ICSL Variant Classification Criteria 13 December 2019. Collection method: clinical testing. Allele origin: germline.
Comment: This variant was observed in the ICSL laboratory as part of a predisposition screen in an ostensibly healthy population. It had not been previously curated by ICSL or reported in the Human Gene Mutation Database (HGMD: prior to June 1st, 2018), and was therefore a candidate for classification through an automated scoring system. Utilizing variant allele frequency, disease prevalence and penetrance estimates, and inheritance mode, an automated score was calculated to assess if this variant is too frequent to cause the disease. Based on the score and internal cut-off values, a variant classified as benign is not then subjected to further curation. The score for this variant resulted in a classification of benign for this disease.

NM_003900.5(SQSTM1):c.*539T>G

Gene: SQSTM1 (sequestosome 1; plus strand). Cytogenetic location: 5q35.3.
Variant type: single nucleotide variant.
Coding change: c.*539T>G on transcript NM_003900.5 (MANE Select); 539 bases downstream of the stop codon, T replaced by G.
Molecular consequence: 3 prime UTR variant.
Genome position (GRCh38, 1-based): chr5:179,837,132, T>G. VCF-style: chr5-179837132-T-G. GRCh37 (hg19) VCF-style: chr5-179264132-T-G.
Other names: c.*539T>G (NM_001142298.2, NM_001142299.2).
Identifiers: ClinVar variation 353176 (VCV000353176.5), dbSNP rs1060271, ClinGen allele CA3600932.